The following is an entry in ClinVar:

NM_000426.4(LAMA2):c.5404C>A (p.Arg1802Ser)

Gene: LAMA2 (laminin subunit alpha 2; plus strand). Cytogenetic location: 6q22.33.
Variant type: single nucleotide variant.
Coding change: c.5404C>A on transcript NM_000426.4 (MANE Select); coding-DNA position 5404, C replaced by A.
Protein change: p.Arg1802Ser; replaces arginine 1802 with serine.
Molecular consequence: missense variant.
Genome position (GRCh38, 1-based): chr6:129,393,214, C>A. VCF-style: chr6-129393214-C-A. GRCh37 (hg19) VCF-style: chr6-129714359-C-A.
Other names: c.5404C>A, p.Arg1802Ser (NM_001079823.2); short protein forms R1802S.
Identifiers: ClinVar variation 1045139 (VCV001045139.6), dbSNP rs761866721, ClinGen allele CA365614926.

ClinVar aggregate classification (germline): Uncertain significance (1 of 4 stars; one submission).

Conditions:
LAMA2-related muscular dystrophy (LAMA2-RD). Also called: Laminin alpha 2-related dystrophy. Identifiers: MedGen C5679788, MONDO:0100228.

gnomAD v4.1: 3 of 1,614,016 alleles (0.00019%); highest among the groups gnomAD compares: Admixed American, 0.005%; no homozygotes.

Submission:

Labcorp Genetics (formerly Invitae), Labcorp
Classification: Uncertain significance for LAMA2-related muscular dystrophy. Last evaluated: 2022-01-17. Review status: criteria provided, single submitter. Criteria: Invitae Variant Classification Sherloc (09022015). Collection method: clinical testing. Allele origin: germline.
Comment: This sequence change replaces arginine, which is basic and polar, with serine, which is neutral and polar, at codon 1802 of the LAMA2 protein (p.Arg1802Ser). This variant is not present in population databases (gnomAD no frequency). This variant has not been reported in the literature in individuals affected with LAMA2-related conditions. ClinVar contains an entry for this variant (Variation ID: 1045139). Advanced modeling of protein sequence and biophysical properties (such as structural, functional, and spatial information, amino acid conservation, physicochemical variation, residue mobility, and thermodynamic stability) performed at Invitae indicates that this missense variant is not expected to disrupt LAMA2 protein function. In summary, the available evidence is currently insufficient to determine the role of this variant in disease. Therefore, it has been classified as a Variant of Uncertain Significance.